The following is an entry in ClinVar:

NM_006424.3(SLC34A2):c.552T>C (p.Ile184=)

Gene: SLC34A2 (solute carrier family 34 member 2; plus strand). Cytogenetic location: 4p15.2.
Variant type: single nucleotide variant.
Coding change: c.552T>C on transcript NM_006424.3 (MANE Select); coding-DNA position 552, T replaced by C.
Protein change: p.Ile184=; no amino-acid change (isoleucine 184 retained).
Molecular consequence: synonymous variant.
Genome position (GRCh38, 1-based): chr4:25,667,908, T>C. VCF-style: chr4-25667908-T-C. GRCh37 (hg19) VCF-style: chr4-25669530-T-C.
Other names: c.549T>C, p.Ile183= (NM_001177998.2, NM_001177999.2).
Identifiers: ClinVar variation 403455 (VCV000403455.14), dbSNP rs77319279, ClinGen allele CA2879505.
Genomic context (GRCh38, chr4:25,667,908, plus strand): 5'-AAGCTTGCTAATGGTACTTTTCCATCCTCTAGTGCTCACTGTTCGGGCTGCCATCCCCAT[T>C]ATCATGGGGGCCAACATTGGAACGTCAATCACCAACACTATTGTTGCGCTCATGCAGGTG-3'
Protein context (NP_006415.3, residues 174-194): SLLTVRAAIP[Ile184=]IMGANIGTSI

ClinVar aggregate classification (germline): Benign/Likely benign. Review status: criteria provided, multiple submitters, no conflicts (2 of 4 stars). 4 submissions from 4 submitters: Benign (3); Likely benign (1). Last evaluated 2026-01-08.

Allele frequency attached by ClinVar (database versions not stated): 1000 Genomes Project 0.01018; 1000 Genomes Project 30x 0.01077; ExAC 0.02119; TOPMed 0.02133; gnomAD exomes 0.02166 and 0.02773; gnomAD 0.02177 and 0.02243; ESP Exome Variant Server 0.02260.

Submissions (4):

Labcorp Genetics (formerly Invitae), Labcorp
Classification: Benign. Last evaluated: 2026-01-08. Review status: criteria provided, single submitter. Criteria: Invitae Variant Classification Sherloc (09022015). Collection method: clinical testing. Allele origin: germline.

Blueprint Genetics
Classification: Likely benign. Last evaluated: 2024-11-26. Review status: criteria provided, single submitter. Criteria: ACMG Guidelines, 2015. Collection method: clinical testing. Allele origin: germline.

Laboratory for Molecular Medicine, Mass General Brigham Personalized Medicine
Classification: Benign. Last evaluated: 2016-03-29. Review status: criteria provided, single submitter. Criteria: LMM Criteria. Collection method: clinical testing. Allele origin: germline.
Comment: Variant identified in a genome or exome case(s) and assessed due to predicted null impact of the variant or pathogenic assertions in the literature or databases. Disclaimer: This variant has not undergone full assessment. The following are preliminary notes: MAF

Breakthrough Genomics
Classification: Benign. Review status: criteria provided, single submitter. Criteria: ACMG Guidelines, 2015. Collection method: not provided. Allele origin: germline. Inheritance: Autosomal recessive inheritance. Affected: yes.